The following is an entry in ClinVar:

ClinVar aggregate classification (germline): Uncertain significance (1 of 4 stars; one submission).

Conditions:
Inborn genetic diseases. Identifiers: MedGen C0950123, MeSH D030342.

Allele frequency attached by ClinVar (database versions not stated): gnomAD exomes below 0.00001; TOPMed below 0.00001; gnomAD 0.00001.
gnomAD v4.1: 3 of 1,614,092 alleles (0.00019%); highest among the groups gnomAD compares: East Asian, 0.0022%; no homozygotes.

Submission:

Ambry Genetics
Classification: Uncertain significance for Inborn genetic diseases. Last evaluated: 2021-03-02. Review status: criteria provided, single submitter. Criteria: Ambry Variant Classification Scheme 2023. Collection method: clinical testing. Allele origin: germline.
Comment: The c.10087C>T (p.P3363S) alteration is located in exon 65 (coding exon 62) of the WDFY3 gene. This alteration results from a C to T substitution at nucleotide position 10087, causing the proline (P) at amino acid position 3363 to be replaced by a serine (S). The p.P3363S alteration is predicted to be tolerated by in silico analysis. Based on insufficient or conflicting evidence, the clinical significance of this alteration remains unclear.

NM_014991.6(WDFY3):c.10087C>T (p.Pro3363Ser)

Gene: WDFY3 (WD repeat and FYVE domain containing 3; minus strand). Cytogenetic location: 4q21.23.
Variant type: single nucleotide variant.
Coding change: c.10087C>T on transcript NM_014991.6 (MANE Select); coding-DNA position 10087, C replaced by T.
Protein change: p.Pro3363Ser; replaces proline 3363 with serine.
Molecular consequence: missense variant.
Genome position (GRCh38, 1-based): chr4:84,678,979, G>A on the plus strand (C>T on the coding strand, the complement: WDFY3 is on the minus strand). VCF-style: chr4-84678979-G-A. GRCh37 (hg19) VCF-style: chr4-85600132-G-A.
Other names: short protein forms P3363S.
Identifiers: ClinVar variation 2229231 (VCV002229231.2), dbSNP rs1421367006, ClinGen allele CA357265990.
Genomic context (GRCh38, chr4:84,678,979, plus strand): 5'-CAGGTTTCAATCTGCTGTAATTCCGCACCTCAATGGGATTGGGGTGGGGGTGGCTAAGGG[G>A]GCCCTGCAGATGGGCTCTGGTCTGGCCCTCTGAATAGTTCACAAATATGAAGCCGTCTTT-3'
Protein context (NP_055806.2, residues 3353-3373): EGQTRAHLQG[Pro3363Ser]LSHPHPNPIE